The following is an entry in ClinVar:

ClinVar aggregate classification (germline): Uncertain significance (1 of 4 stars; one submission).

Submission:

GeneDx
Classification: Uncertain significance. Last evaluated: 2022-05-03. Review status: criteria provided, single submitter. Criteria: GeneDx Variant Classification Process June 2021. Collection method: clinical testing. Allele origin: germline. Affected: yes.
Comment: Not observed at significant frequency in large population cohorts (gnomAD); In silico analysis supports that this missense variant has a deleterious effect on protein structure/function; Has not been previously published as pathogenic or benign to our knowledge

NM_005257.6(GATA6):c.953C>A (p.Pro318Gln)

Gene: GATA6 (GATA binding protein 6; plus strand). Cytogenetic location: 18q11.2.
Variant type: single nucleotide variant.
Coding change: c.953C>A on transcript NM_005257.6 (MANE Select); coding-DNA position 953, C replaced by A.
Protein change: p.Pro318Gln; replaces proline 318 with glutamine.
Molecular consequence: missense variant.
Genome position (GRCh38, 1-based): chr18:22,172,097, C>A. VCF-style: chr18-22172097-C-A. GRCh37 (hg19) VCF-style: chr18-19752058-C-A.
Other names: short protein forms P318Q.
Identifiers: ClinVar variation 1722850 (VCV001722850.2), dbSNP rs2510626639, ClinGen allele CA401801479.